The following is an entry in ClinVar:

ClinVar aggregate classification (germline): Likely benign (1 of 4 stars; one submission).

Conditions:
Medulloblastoma (MDB). Also called: Medulloblastoma, somatic; MEDULLOBLASTOMA PREDISPOSITION SYNDROME. Identifiers: Orphanet 616, MedGen C0025149, MeSH D008527, MONDO:0007959, OMIM 155255, HP:0002885.

Allele frequency attached by ClinVar (database versions not stated): gnomAD exomes 0.00078; gnomAD 0.00342 and 0.00367; 1000 Genomes Project 30x 0.00375; 1000 Genomes Project 0.00379; TOPMed 0.00384.
gnomAD v4.1: 588 of 233,350 alleles (0.25%); highest among the groups gnomAD compares: African/African-American, 1.2%; 6 homozygotes.

Submission:

Illumina Laboratory Services, Illumina
Classification: Likely benign for Medulloblastoma. Last evaluated: 2018-01-12. Review status: criteria provided, single submitter. Criteria: ICSL Variant Classification Criteria 13 December 2019. Collection method: clinical testing. Allele origin: germline.
Comment: This variant was observed in the ICSL laboratory as part of a predisposition screen in an ostensibly healthy population. It had not been previously curated by ICSL or reported in the Human Gene Mutation Database (HGMD: prior to June 1st, 2018), and was therefore a candidate for classification through an automated scoring system. Utilizing variant allele frequency, disease prevalence and penetrance estimates, and inheritance mode, an automated score was calculated to assess if this variant is too frequent to cause the disease. Based on the score and internal cut-off values, a variant classified as likely benign is not then subjected to further curation. The score for this variant resulted in a classification of likely benign for this disease.

NM_016169.4(SUFU):c.*2172G>A

Gene: SUFU (SUFU negative regulator of hedgehog signaling; plus strand). Cytogenetic location: 10q24.32.
Variant type: single nucleotide variant.
Coding change: c.*2172G>A on transcript NM_016169.4 (MANE Select); 2172 bases downstream of the stop codon, G replaced by A.
Molecular consequence: 3 prime UTR variant.
Genome position (GRCh38, 1-based): chr10:102,632,327, G>A. VCF-style: chr10-102632327-G-A. GRCh37 (hg19) VCF-style: chr10-104392084-G-A.
Identifiers: ClinVar variation 298600 (VCV000298600.5), dbSNP rs540579682, ClinGen allele CA10627933.
Genomic context (GRCh38, chr10:102,632,327, plus strand): 5'-ACACCAGCCAGCATGGTGGCCCTGTTCTGGGGGAGCAGGGTAAGGCAGGAGGAAGTGGGT[G>A]AGCTCCGAGATGATGAGCACATGAAGCCTGTGGCCCCTTCGTACCTGCAATATGTCAGGA-3'